The following is an entry in ClinVar:

ClinVar aggregate classification (germline): Conflicting classifications of pathogenicity. Review status: criteria provided, conflicting classifications (1 of 4 stars). 3 submissions from 3 submitters: Uncertain significance (1); Likely benign (2). Last evaluated 2025-12-06.

Conditions:
CETP-related disorder. Also called: CETP-related condition.

Allele frequency attached by ClinVar (database versions not stated): gnomAD exomes 0.00004 and 0.00014; ExAC 0.00005; gnomAD 0.00007; TOPMed 0.00008.
gnomAD v4.1: 64 of 1,613,972 alleles (0.004%); highest among the groups gnomAD compares: Admixed American, 0.11%; 1 homozygote.

Submissions (3):

Labcorp Genetics (formerly Invitae), Labcorp
Classification: Likely benign. Last evaluated: 2025-12-06. Review status: criteria provided, single submitter. Criteria: Invitae Variant Classification Sherloc (09022015). Collection method: clinical testing. Allele origin: germline.

PreventionGenetics, part of Exact Sciences
Classification: Likely benign for CETP-related condition. Last evaluated: 2024-10-16. Review status: criteria provided, single submitter. Criteria: ACMG Guidelines, 2015. Collection method: clinical testing. Allele origin: germline.
Comment: This variant is classified as likely benign based on ACMG/AMP sequence variant interpretation guidelines (Richards et al. 2015 PMID: 25741868, with internal and published modifications).

GeneDx
Classification: Uncertain significance. Last evaluated: 2021-01-19. Review status: criteria provided, single submitter. Criteria: GeneDx Variant Classification Process June 2021. Collection method: clinical testing. Allele origin: germline. Affected: yes.
Comment: Has not been previously published as pathogenic or benign to our knowledge; In silico analysis supports that this missense variant has a deleterious effect on protein structure/function

NM_000078.3(CETP):c.89G>A (p.Cys30Tyr)

Gene: CETP (cholesteryl ester transfer protein; plus strand). Cytogenetic location: 16q13.
Variant type: single nucleotide variant.
Coding change: c.89G>A on transcript NM_000078.3 (MANE Select); coding-DNA position 89, G replaced by A.
Protein change: p.Cys30Tyr; replaces cysteine 30 with tyrosine.
Molecular consequence: missense variant.
Genome position (GRCh38, 1-based): chr16:56,962,068, G>A. VCF-style: chr16-56962068-G-A. GRCh37 (hg19) VCF-style: chr16-56995980-G-A.
Other names: c.89G>A, p.Cys30Tyr (NM_001286085.2); short protein forms C30Y.
Identifiers: ClinVar variation 1314022 (VCV001314022.7), dbSNP rs771585518, ClinGen allele CA8070745.